The following is an entry in ClinVar:

ClinVar aggregate classification (germline): Uncertain significance (1 of 4 stars; one submission).

Conditions:
Inborn genetic diseases. Identifiers: MedGen C0950123, MeSH D030342.

Submission:

Ambry Genetics
Classification: Uncertain significance for Inborn genetic diseases. Last evaluated: 2025-09-17. Review status: criteria provided, single submitter. Criteria: Ambry Variant Classification Scheme 2023. Collection method: clinical testing. Allele origin: germline.
Comment: The p.T1133I variant (also known as c.3398C>T), located in coding exon 32 of the RTEL1 gene, results from a C to T substitution at nucleotide position 3398. The threonine at codon 1133 is replaced by isoleucine, an amino acid with similar properties. This amino acid position is conserved. In addition, this alteration is predicted to be tolerated by in silico analysis. Based on the available evidence, the clinical significance of this variant remains unclear.

NM_001283009.2(RTEL1):c.3398C>T (p.Thr1133Ile)

Genes: RTEL1 (regulator of telomere elongation helicase 1; plus strand), RTEL1-TNFRSF6B (RTEL1-TNFRSF6B readthrough (NMD candidate); plus strand). Cytogenetic location: 20q13.33.
Variant type: single nucleotide variant.
Coding change: c.3398C>T on transcript NM_001283009.2 (MANE Select); coding-DNA position 3398, C replaced by T.
Protein change: p.Thr1133Ile; replaces threonine 1133 with isoleucine.
Molecular consequence: missense variant. On other transcripts: non-coding transcript variant (1).
Genome position (GRCh38, 1-based): chr20:63,695,120, C>T. VCF-style: chr20-63695120-C-T. GRCh37 (hg19) VCF-style: chr20-62326473-C-T.
Other names: c.2729C>T, p.Thr910Ile (NM_001283010.1); c.3398C>T, p.Thr1133Ile (NM_016434.4); c.3470C>T, p.Thr1157Ile (NM_032957.5); short protein forms T1157I, T910I, T1133I.
Identifiers: ClinVar variation 4629504 (VCV004629504.1).